The following is an entry in ClinVar:

ClinVar aggregate classification (germline): Uncertain significance (1 of 4 stars; one submission).

Conditions:
Niemann-Pick disease, type B. Also called: Chronic Visceral ASMD (Niemann-Pick Disease Type B; NPD-B). Identifiers: Orphanet 77293, MedGen C0268243, MONDO:0011871, OMIM 607616. Disease mechanism: loss of function.
Niemann-Pick disease, type A. Also called: SPHINGOMYELIN LIPIDOSIS; SPHINGOMYELINASE DEFICIENCY; Infantile Neurovisceral ASMD (Niemann-Pick Disease Type A; NPD-A). Identifiers: Orphanet 77292, MedGen C0268242, MONDO:0009756, OMIM 257200. Disease mechanism: loss of function.

Submission:

Labcorp Genetics (formerly Invitae), Labcorp
Classification: Uncertain significance for Niemann-Pick disease, type B; Niemann-Pick disease, type A. Last evaluated: 2023-09-29. Review status: criteria provided, single submitter. Criteria: Invitae Variant Classification Sherloc (09022015). Collection method: clinical testing. Allele origin: germline.
Comment: Experimental studies and prediction algorithms are not available or were not evaluated, and the functional significance of this variant is currently unknown. This variant, c.1323_1325del, results in the deletion of 1 amino acid(s) of the SMPD1 protein (p.Tyr442del), but otherwise preserves the integrity of the reading frame. This variant is not present in population databases (gnomAD no frequency). This variant has been observed in individual(s) with acid sphingomyelinase deficiency (Invitae). In at least one individual the data is consistent with being in trans (on the opposite chromosome) from a pathogenic variant. In summary, the available evidence is currently insufficient to determine the role of this variant in disease. Therefore, it has been classified as a Variant of Uncertain Significance.

NM_000543.5(SMPD1):c.1320TTA[1] (p.Tyr442del)

Gene: SMPD1 (sphingomyelin phosphodiesterase 1; plus strand). Cytogenetic location: 11p15.4.
Variant type: Microsatellite.
Coding change: c.1320TTA[1] on transcript NM_000543.5 (MANE Select); one copy of the 3-base unit TTA starting at c.1320; the reference has two copies in a row; one copy, 3 bases deleted.
Protein change: p.Tyr442del; deletes tyrosine 442.
Molecular consequence: inframe deletion. On other transcripts: non-coding transcript variant (2).
Genome position (GRCh38, 1-based): chr11:6,393,676-6,393,678, TTA deleted; deleting any 3 consecutive bases within chr11:6,393,672-6,393,678 gives the same sequence; the position shown is the placement nearest the transcript's 3' end. VCF-style (leftmost placement, unchanged base first): chr11-6393671-AATT-A. GRCh37 (hg19) VCF-style: chr11-6414901-AATT-A.
Other names: c.1317TTA[1], p.Tyr441del (NM_001007593.3); c.1320TTA[1], p.Tyr442del (NM_001318087.2); c.399TTA[1], p.Tyr135del (NM_001318088.2); c.1188TTA[1], p.Tyr398del (NM_001365135.2); short protein forms Y442del, Y135del, Y398del, Y441del.
Identifiers: ClinVar variation 2952378 (VCV002952378.3), dbSNP rs2493817155, ClinGen allele CA2740093612.